The following is an entry in ClinVar:

ClinVar aggregate classification (germline): Uncertain significance (1 of 4 stars; one submission).

Submission:

GeneDx
Classification: Uncertain significance. Last evaluated: 2025-06-11. Review status: criteria provided, single submitter. Criteria: GeneDx Variant Classification Process June 2021. Collection method: clinical testing. Allele origin: germline. Affected: yes.
Comment: Not observed at significant frequency in large population cohorts (gnomAD); In silico analysis supports that this missense variant has a deleterious effect on protein structure/function; Has not been previously published as pathogenic or benign to our knowledge

NM_001353345.2(SETD1B):c.5832G>C (p.Lys1944Asn)

Gene: SETD1B (SET domain containing 1B, histone lysine methyltransferase; plus strand). Cytogenetic location: 12q24.31.
Variant type: single nucleotide variant.
Coding change: c.5832G>C on transcript NM_001353345.2 (MANE Select); coding-DNA position 5832, G replaced by C.
Protein change: p.Lys1944Asn; replaces lysine 1944 with asparagine.
Molecular consequence: missense variant.
Genome position (GRCh38, 1-based): chr12:121,830,170, G>C. VCF-style: chr12-121830170-G-C. GRCh37 (hg19) VCF-style: chr12-122268076-G-C.
Other names: short protein forms K1944N.
Identifiers: ClinVar variation 4538155 (VCV004538155.1).